The following is an entry in ClinVar:

NM_000370.3(TTPA):c.664-63G>T

Gene: TTPA (alpha tocopherol transfer protein; minus strand). Cytogenetic location: 8q12.3.
Variant type: single nucleotide variant.
Coding change: c.664-63G>T on transcript NM_000370.3 (MANE Select); 63 bases into the intron before coding-DNA position 664, G replaced by T.
Molecular consequence: intron variant.
Genome position (GRCh38, 1-based): chr8:63,061,488, C>A on the plus strand (G>T on the coding strand, the complement: TTPA is on the minus strand). VCF-style: chr8-63061488-C-A. GRCh37 (hg19) VCF-style: chr8-63974047-C-A.
Identifiers: ClinVar variation 1706902 (VCV001706902.2), dbSNP rs35250281, ClinGen allele CA178382838.

ClinVar aggregate classification (germline): Likely benign (1 of 4 stars; one submission).

Allele frequency attached by ClinVar (database versions not stated): gnomAD 0.01336; TOPMed 0.01452; 1000 Genomes Project 0.01717; 1000 Genomes Project 30x 0.01827.
gnomAD v4.1: 3,851 of 1,469,998 alleles (0.26%); highest among the groups gnomAD compares: African/African-American, 4.7%; 77 homozygotes.

Submission:

GeneDx
Classification: Likely benign. Last evaluated: 2021-05-25. Review status: criteria provided, single submitter. Criteria: GeneDx Variant Classification Process June 2021. Collection method: clinical testing. Allele origin: germline. Affected: yes.
Comment: See Variant Classification Assertion Criteria.